The following is an entry in ClinVar:

NM_017654.4(SAMD9):c.4673T>A (p.Leu1558Ter)

Gene: SAMD9 (sterile alpha motif domain containing 9; minus strand). Cytogenetic location: 7q21.2.
Variant type: single nucleotide variant.
Coding change: c.4673T>A on transcript NM_017654.4 (MANE Select); coding-DNA position 4673, T replaced by A.
Protein change: p.Leu1558Ter; replaces leucine 1558 with a stop codon.
Molecular consequence: nonsense.
Genome position (GRCh38, 1-based): chr7:93,101,425, A>T on the plus strand (T>A on the coding strand, the complement: SAMD9 is on the minus strand). VCF-style: chr7-93101425-A-T. GRCh37 (hg19) VCF-style: chr7-92730738-A-T.
Other names: c.4673T>A, p.Leu1558Ter (NM_001193307.2); short protein forms L1558*.
Identifiers: ClinVar variation 712662 (VCV000712662.14), dbSNP rs150862618, ClinGen allele CA4342510.

ClinVar aggregate classification (germline): Conflicting classifications of pathogenicity. Review status: criteria provided, conflicting classifications (1 of 4 stars). 6 submissions from 6 submitters: Uncertain significance (2); Benign (1); Likely benign (2). 1 of the submissions does not count toward it. Last evaluated 2026-05-20.

Conditions:
SAMD9-related disorder. Also called: SAMD9-related condition.

Allele frequency attached by ClinVar (database versions not stated): gnomAD exomes 0.00003 and 0.00009; ExAC 0.00010; 1000 Genomes Project 30x 0.00016; 1000 Genomes Project 0.00020; gnomAD 0.00033 and 0.00036; TOPMed 0.00038; ESP Exome Variant Server 0.00046.

Submissions (6):

Women's Health and Genetics/Laboratory Corporation of America, LabCorp
Classification: Benign. Last evaluated: 2026-05-20. Review status: criteria provided, single submitter. Criteria: LabCorp Variant Classification Summary - May 2015. Collection method: clinical testing. Allele origin: germline.
Comment: Variant summary: SAMD9 c.4673T>A (p.Leu1558X) results in a premature termination codon, predicted to cause a truncation of the encoded protein. The variant allele was found at a frequency of 8.8e-05 in 251226 control chromosomes, predominantly at a frequency of 0.0012 within the African or African-American subpopulation in the gnomAD database. The observed variant frequency within African or African-American control individuals in the gnomAD database exceeds the estimated maximal expected allele frequency for disease-causing variants in SAMD9. To our knowledge, no occurrence of c.4673T>A in individuals affected with SAMD9-related conditions and no experimental evidence demonstrating its impact on protein function have been reported. ClinVar contains an entry for this variant (Variation ID: 712662). Based on the evidence outlined above, the variant was classified as benign.

Labcorp Genetics (formerly Invitae), Labcorp
Classification: Likely benign. Last evaluated: 2025-11-08. Review status: criteria provided, single submitter. Criteria: Invitae Variant Classification Sherloc (09022015). Collection method: clinical testing. Allele origin: germline.

GeneDx
Classification: Uncertain significance. Last evaluated: 2024-12-17. Review status: criteria provided, single submitter. Criteria: GeneDx Variant Classification Process June 2021. Collection method: clinical testing. Allele origin: germline. Affected: yes.
Comment: Nonsense variant predicted to result in protein truncation as the last 32 amino acids are lost, although loss-of-function variants have not been reported downstream of this position in the protein; Has not been previously published as pathogenic or benign to our knowledge; This variant is associated with the following publications: (PMID: 28545555)

Blueprint Genetics
Classification: Uncertain significance. Last evaluated: 2024-02-19. Review status: criteria provided, single submitter. Criteria: ACMG Guidelines, 2015. Collection method: clinical testing. Allele origin: germline.

Breakthrough Genomics
Classification: Likely benign. Review status: criteria provided, single submitter. Criteria: ACMG Guidelines, 2015. Collection method: not provided. Allele origin: germline. Inheritance: Autosomal recessive inheritance. Affected: yes.

PreventionGenetics, part of Exact Sciences
Classification: Uncertain significance for SAMD9-related condition. Last evaluated: 2024-05-03. Review status: no assertion criteria provided. Collection method: clinical testing. Allele origin: germline. Not counted in ClinVar's aggregate classification.
Comment: The SAMD9 c.4673T>A variant is predicted to result in premature protein termination (p.Leu1558*). To our knowledge, this variant has not been reported in the literature. This variant is reported in 0.12% of alleles in individuals of African descent in gnomAD and is interpreted as Likely Benign/Uncertain in ClinVar. At this time, the clinical significance of this variant is uncertain due to the absence of conclusive functional and genetic evidence.